The following is an entry in ClinVar:

ClinVar aggregate classification (germline): Uncertain significance (1 of 4 stars; one submission).

Conditions:
Supravalvar aortic stenosis (SVAS). Also called: Supravalvar aortic stenosis, Eisenberg type. Identifiers: Orphanet 3193, MedGen C0003499, MONDO:0008504, OMIM 185500, HP:0004381.

Allele frequency attached by ClinVar (database versions not stated): ExAC 0.00001.
gnomAD v4.1: 4 of 1,614,174 alleles (0.00025%); highest among the groups gnomAD compares: East Asian, 0.0045%; no homozygotes.

Submission:

Labcorp Genetics (formerly Invitae), Labcorp
Classification: Uncertain significance for Supravalvar aortic stenosis. Last evaluated: 2025-02-19. Review status: criteria provided, single submitter. Criteria: Invitae Variant Classification Sherloc (09022015). Collection method: clinical testing. Allele origin: germline.
Comment: This sequence change replaces glycine, which is neutral and non-polar, with aspartic acid, which is acidic and polar, at codon 113 of the ELN protein (p.Gly113Asp). This variant is present in population databases (rs531401757, gnomAD 0.0009%). This variant has not been reported in the literature in individuals affected with ELN-related conditions. ClinVar contains an entry for this variant (Variation ID: 1026416). Invitae Evidence Modeling of protein sequence and biophysical properties (such as structural, functional, and spatial information, amino acid conservation, physicochemical variation, residue mobility, and thermodynamic stability) indicates that this missense variant is not expected to disrupt ELN protein function with a negative predictive value of 80%. In summary, the available evidence is currently insufficient to determine the role of this variant in disease. Therefore, it has been classified as a Variant of Uncertain Significance.

NM_000501.4(ELN):c.338G>A (p.Gly113Asp)

Gene: ELN (elastin; plus strand). Cytogenetic location: 7q11.23.
Variant type: single nucleotide variant.
Coding change: c.338G>A on transcript NM_000501.4 (MANE Select); coding-DNA position 338, G replaced by A.
Protein change: p.Gly113Asp; replaces glycine 113 with aspartic acid.
Molecular consequence: missense variant.
Genome position (GRCh38, 1-based): chr7:74,042,996, G>A. VCF-style: chr7-74042996-G-A. GRCh37 (hg19) VCF-style: chr7-73457326-G-A.
Other names: c.308G>A, p.Gly103Asp (NM_001081752.3, NM_001278914.2, NM_001278917.2 and 1 more transcripts); c.338G>A, p.Gly113Asp (NM_001081753.3, NM_001081754.3, NM_001081755.3 and 4 more transcripts); c.302G>A, p.Gly101Asp (NM_001278913.2); short protein forms G101D, G103D, G113D.
Identifiers: ClinVar variation 1026416 (VCV001026416.8), dbSNP rs531401757, ClinGen allele CA4292449.